The following is an entry in ClinVar:

Conditions:
Arteriohepatic dysplasia. Also called: Alagille Syndrome. Identifiers: Orphanet 52, MedGen C0085280, MeSH D016738, MONDO:0007318.

Submission:

Gilbert/Spinner Lab, Children's Hospital of Philadelphia
No classification provided (evidence only). Condition: Alagille syndrome. Review status: no classification provided. Collection method: research. Allele origin: not applicable. Functional consequence: functionally_abnormal.
ClinVar note: "not provided" was previously submitted as the classification for the variant. However, the classification appeared to be based only on an observation of functional data so it was converted to no classification on 2025-07-30.

NM_000214.3(JAG1):c.823A>T (p.Ile275Phe)

Gene: JAG1 (jagged canonical Notch ligand 1; minus strand). Cytogenetic location: 20p12.2.
Variant type: single nucleotide variant.
Coding change: c.823A>T on transcript NM_000214.3 (MANE Select); coding-DNA position 823, A replaced by T.
Protein change: p.Ile275Phe; replaces isoleucine 275 with phenylalanine.
Molecular consequence: missense variant.
Genome position (GRCh38, 1-based): chr20:10,652,531, T>A on the plus strand (A>T on the coding strand, the complement: JAG1 is on the minus strand). VCF-style: chr20-10652531-T-A. GRCh37 (hg19) VCF-style: chr20-10633179-T-A.
Other names: short protein forms I275F.
Identifiers: ClinVar variation 3573119 (VCV003573119.2).
Genomic context (GRCh38, chr20:10,652,531, plus strand): 5'-TGTCACAGAGCTGGCCGCCCCAGTTGGTCTCACAGAGGCACTGCCAGGGCTCATTACAGA[T>A]GCCGTGGACGCATCCCGGGTGTGGGATGCACTTATCACAGTACAGGCCTTGCCAGCCGTA-3'
Protein context (NP_000205.1, residues 265-285): CIPHPGCVHG[Ile275Phe]CNEPWQCLCE